The following is an entry in ClinVar:

ClinVar aggregate classification (germline): Uncertain significance (1 of 4 stars; one submission).

Conditions:
Cutis laxa, autosomal dominant 3 (ADCL3). Identifiers: Orphanet 90348, MedGen C4225268, MONDO:0014706, OMIM 616603.
Autosomal dominant spastic paraplegia type 9. Identifiers: MedGen C1832669, MONDO:0015091.
de Barsy syndrome. Also called: Cutis laxa-corneal clouding-oligophrenia syndrome. Identifiers: Orphanet 2962, MedGen C0268354, MONDO:0017569.

gnomAD v4.1: 2 of 1,614,194 alleles (0.00012%); highest among the groups gnomAD compares: Non-Finnish European, 0.00017%; no homozygotes.

Submission:

Labcorp Genetics (formerly Invitae), Labcorp
Classification: Uncertain significance for Autosomal dominant spastic paraplegia type 9; de Barsy syndrome; Cutis laxa, autosomal dominant 3. Last evaluated: 2025-10-14. Review status: criteria provided, single submitter. Criteria: Invitae Variant Classification Sherloc (09022015). Collection method: clinical testing. Allele origin: germline.
Comment: This sequence change replaces leucine, which is neutral and non-polar, with proline, which is neutral and non-polar, at codon 664 of the ALDH18A1 protein (p.Leu664Pro). This variant is present in population databases (no rsID available, gnomAD 0.0009%). This variant has not been reported in the literature in individuals affected with ALDH18A1-related conditions. ClinVar contains an entry for this variant (Variation ID: 3750504). Invitae Evidence Modeling of protein sequence and biophysical properties (such as structural, functional, and spatial information, amino acid conservation, physicochemical variation, residue mobility, and thermodynamic stability) has been performed for this missense variant. However, the output from this modeling did not meet the statistical confidence thresholds required to predict the impact of this variant on ALDH18A1 protein function. In summary, the available evidence is currently insufficient to determine the role of this variant in disease. Therefore, it has been classified as a Variant of Uncertain Significance.

NM_002860.4(ALDH18A1):c.1991T>C (p.Leu664Pro)

Gene: ALDH18A1 (aldehyde dehydrogenase 18 family member A1; minus strand). Cytogenetic location: 10q24.1.
Variant type: single nucleotide variant.
Coding change: c.1991T>C on transcript NM_002860.4 (MANE Select); coding-DNA position 1991, T replaced by C.
Protein change: p.Leu664Pro; replaces leucine 664 with proline.
Molecular consequence: missense variant.
Genome position (GRCh38, 1-based): chr10:95,611,375, A>G on the plus strand (T>C on the coding strand, the complement: ALDH18A1 is on the minus strand). VCF-style: chr10-95611375-A-G. GRCh37 (hg19) VCF-style: chr10-97371132-A-G.
Other names: c.1985T>C, p.Leu662Pro (NM_001017423.2, NM_001323415.2); c.1658T>C, p.Leu553Pro (NM_001323412.2, NM_001323416.2); c.1991T>C, p.Leu664Pro (NM_001323413.2, NM_001323414.2); c.1886T>C, p.Leu629Pro (NM_001323417.2); c.1652T>C, p.Leu551Pro (NM_001323418.2); c.1355T>C, p.Leu452Pro (NM_001323419.2); short protein forms L452P, L551P, L553P, L629P, L662P, L664P.
Identifiers: ClinVar variation 3750504 (VCV003750504.2).